The following is an entry in ClinVar:

NM_032043.3(BRIP1):c.3091T>C (p.Ser1031Pro)

Gene: BRIP1 (BRCA1 interacting DNA helicase 1; minus strand). Cytogenetic location: 17q23.2.
Variant type: single nucleotide variant.
Coding change: c.3091T>C on transcript NM_032043.3 (MANE Select); coding-DNA position 3091, T replaced by C.
Protein change: p.Ser1031Pro; replaces serine 1031 with proline.
Molecular consequence: missense variant.
Genome position (GRCh38, 1-based): chr17:61,683,955, A>G on the plus strand (T>C on the coding strand, the complement: BRIP1 is on the minus strand). VCF-style: chr17-61683955-A-G. GRCh37 (hg19) VCF-style: chr17-59761316-A-G.
Other names: short protein forms S1031P.
Identifiers: ClinVar variation 3750286 (VCV003750286.2).

ClinVar aggregate classification (germline): Uncertain significance (1 of 4 stars; one submission).

Conditions:
Familial cancer of breast. Also called: Hereditary breast cancer; BREAST CANCER, FAMILIAL; hereditary breast carcinoma. Identifiers: Orphanet 227535, MedGen C0346153, MONDO:0016419, OMIM 114480. Disease mechanism: loss of function.
Fanconi anemia complementation group J. Also called: BRIP1-Related Fanconi Anemia. Identifiers: Orphanet 84, MedGen C1836860, MONDO:0012187, OMIM 609054.

Submission:

Labcorp Genetics (formerly Invitae), Labcorp
Classification: Uncertain significance for Familial cancer of breast; Fanconi anemia complementation group J. Last evaluated: 2024-05-26. Review status: criteria provided, single submitter. Criteria: Invitae Variant Classification Sherloc (09022015). Collection method: clinical testing. Allele origin: germline.
Comment: This sequence change replaces serine, which is neutral and polar, with proline, which is neutral and non-polar, at codon 1031 of the BRIP1 protein (p.Ser1031Pro). This variant is not present in population databases (gnomAD no frequency). This variant has not been reported in the literature in individuals affected with BRIP1-related conditions. An algorithm developed to predict the effect of missense changes on protein structure and function (PolyPhen-2) suggests that this variant is likely to be tolerated. In summary, the available evidence is currently insufficient to determine the role of this variant in disease. Therefore, it has been classified as a Variant of Uncertain Significance.